The following is an entry in ClinVar:

ClinVar aggregate classification (germline): Uncertain significance (1 of 4 stars; one submission).

Conditions:
Paroxysmal nonkinesigenic dyskinesia. Also called: Paroxysmal non-kinesigenic dyskinesia. Identifiers: Orphanet 98810, MedGen C1869117, MONDO:0700088.

gnomAD v4.1: 1 of 1,613,694 alleles (0.000062%); highest among the groups gnomAD compares: African/African-American, 0.0013%; no homozygotes.

Submission:

Labcorp Genetics (formerly Invitae), Labcorp
Classification: Uncertain significance for Paroxysmal nonkinesigenic dyskinesia. Last evaluated: 2022-08-23. Review status: criteria provided, single submitter. Criteria: Invitae Variant Classification Sherloc (09022015). Collection method: clinical testing. Allele origin: germline.
Comment: This sequence change replaces aspartic acid, which is acidic and polar, with alanine, which is neutral and non-polar, at codon 276 of the PNKD protein (p.Asp276Ala). This variant is not present in population databases (gnomAD no frequency). This variant has not been reported in the literature in individuals affected with PNKD-related conditions. Algorithms developed to predict the effect of missense changes on protein structure and function are either unavailable or do not agree on the potential impact of this missense change (SIFT: "Deleterious"; PolyPhen-2: "Possibly Damaging"; Align-GVGD: "Class C0"). Algorithms developed to predict the effect of sequence changes on RNA splicing suggest that this variant may disrupt the consensus splice site. In summary, the available evidence is currently insufficient to determine the role of this variant in disease. Therefore, it has been classified as a Variant of Uncertain Significance.

NM_015488.5(PNKD):c.827A>C (p.Asp276Ala)

Genes: CATIP-AS2 (CATIP antisense RNA 2; minus strand), PNKD (PNKD metallo-beta-lactamase domain containing; plus strand). Cytogenetic location: 2q35.
Variant type: single nucleotide variant.
Coding change: c.827A>C on transcript NM_015488.5 (MANE Select); coding-DNA position 827, A replaced by C.
Protein change: p.Asp276Ala; replaces aspartic acid 276 with alanine.
Molecular consequence: missense variant.
Genome position (GRCh38, 1-based): chr2:218,343,545, A>C. VCF-style: chr2-218343545-A-C. GRCh37 (hg19) VCF-style: chr2-219208268-A-C.
Other names: c.755A>C, p.Asp252Ala (NM_022572.5); short protein forms D252A, D276A.
Identifiers: ClinVar variation 1918307 (VCV001918307.5), dbSNP rs1278125696, ClinGen allele CA350542121.